The following is an entry in ClinVar:

ClinVar aggregate classification (germline): Pathogenic. Review status: criteria provided, single submitter (1 of 4 stars). 2 submissions from 2 submitters: Pathogenic (1). 1 of the submissions does not count toward it. Last evaluated 2023-05-02.

Conditions:
Junctional epidermolysis bullosa gravis of Herlitz. Also called: Herlitz-type junctional epidermolysis bullosa; EPIDERMOLYSIS BULLOSA JUNCTIONALIS, HERLITZ TYPE; EPIDERMOLYSIS BULLOSA, JUNCTIONAL, HERLITZ-PEARSON TYPE; Epidermolysis Bullosa Letalis; JEB-HERLITZ TYPE; EPIDERMOLYSIS BULLOSA, JUNCTIONAL 1B, SEVERE. Identifiers: Orphanet 79404, MedGen C0079683, MONDO:0009182, OMIM 226700.

Submissions (2):

Labcorp Genetics (formerly Invitae), Labcorp
Classification: Pathogenic. Last evaluated: 2023-05-02. Review status: criteria provided, single submitter. Criteria: Invitae Variant Classification Sherloc (09022015). Collection method: clinical testing. Allele origin: germline.
Comment: For these reasons, this variant has been classified as Pathogenic. ClinVar contains an entry for this variant (Variation ID: 371322). This variant has not been reported in the literature in individuals affected with LAMC2-related conditions. This variant is present in population databases (rs745512079, gnomAD 0.0009%). This sequence change creates a premature translational stop signal (p.Asn180Thrfs*67) in the LAMC2 gene. It is expected to result in an absent or disrupted protein product. Loss-of-function variants in LAMC2 are known to be pathogenic (PMID: 11907499, 16473856).

Counsyl
Classification: Likely pathogenic for Junctional epidermolysis bullosa gravis of Herlitz. Last evaluated: 2016-08-30. Review status: no assertion criteria provided. Collection method: clinical testing. Allele origin: unknown. Not counted in ClinVar's aggregate classification.

Literature cited by the submitters: PubMed 11907499 (cited by Labcorp Genetics (formerly Invitae), Labcorp); PubMed 16473856 (cited by Labcorp Genetics (formerly Invitae), Labcorp).

NM_005562.3(LAMC2):c.537del (p.Asn180fs)

Gene: LAMC2 (laminin subunit gamma 2; plus strand). Cytogenetic location: 1q25.3.
Variant type: Deletion.
Coding change: c.537del on transcript NM_005562.3 (MANE Select); coding-DNA position 537, one base deleted (G; older notation c.537delG).
Protein change: p.Asn180fs; shifts the reading frame from asparagine 180.
Molecular consequence: frameshift variant.
Genome position (GRCh38, 1-based): chr1:183,220,858, G deleted; the last of 6 consecutive G bases (chr1:183,220,853-183,220,858); deleting any one gives the same sequence. VCF-style (leftmost placement, unchanged base first): chr1-183220852-TG-T. GRCh37 (hg19) VCF-style: chr1-183189987-TG-T.
Other names: c.537del, p.Asn180fs (NM_018891.3); short protein forms N180fs.
Identifiers: ClinVar variation 371322 (VCV000371322.6), dbSNP rs745512079, ClinGen allele CA1282364.
Genomic context (GRCh38, chr1:183,220,852, plus strand): 5'-TATAATATCCTGATTTCTACAATGCCACTGCAGGTGTCGATCAGGTTACTATAATCTGGA[TG>T]GGGGGAACCCTGAGGGCTGTACCCAGTGTTTCTGCTATGGGCATTCAGCCAGCTGCCGCA-3'